The following is an entry in ClinVar:

ClinVar aggregate classification (germline): Uncertain significance (1 of 4 stars; one submission).

Allele frequency attached by ClinVar (database versions not stated): TOPMed below 0.00001; ExAC 0.00001.

Submission:

Labcorp Genetics (formerly Invitae), Labcorp
Classification: Uncertain significance. Last evaluated: 2022-12-13. Review status: criteria provided, single submitter. Criteria: Invitae Variant Classification Sherloc (09022015). Collection method: clinical testing. Allele origin: germline.
Comment: This sequence change replaces glutamic acid, which is acidic and polar, with lysine, which is basic and polar, at codon 414 of the NECTIN4 protein (p.Glu414Lys). This variant is present in population databases (rs764195115, gnomAD 0.0009%). This variant has not been reported in the literature in individuals affected with NECTIN4-related conditions. Algorithms developed to predict the effect of missense changes on protein structure and function are either unavailable or do not agree on the potential impact of this missense change (SIFT: "Deleterious"; PolyPhen-2: "Benign"; Align-GVGD: "Class C55"). In summary, the available evidence is currently insufficient to determine the role of this variant in disease. Therefore, it has been classified as a Variant of Uncertain Significance.

NM_030916.3(NECTIN4):c.1240G>A (p.Glu414Lys)

Gene: NECTIN4 (nectin cell adhesion molecule 4; minus strand). Cytogenetic location: 1q23.3.
Variant type: single nucleotide variant.
Coding change: c.1240G>A on transcript NM_030916.3 (MANE Select); coding-DNA position 1240, G replaced by A.
Protein change: p.Glu414Lys; replaces glutamic acid 414 with lysine.
Molecular consequence: missense variant.
Genome position (GRCh38, 1-based): chr1:161,073,293, C>T on the plus strand (G>A on the coding strand, the complement: NECTIN4 is on the minus strand). VCF-style: chr1-161073293-C-T. GRCh37 (hg19) VCF-style: chr1-161043083-C-T.
Other names: short protein forms E414K.
Identifiers: ClinVar variation 1954853 (VCV001954853.5), dbSNP rs764195115, ClinGen allele CA1204851.
Genomic context (GRCh38, chr1:161,073,293, plus strand): 5'-AGCAGCTACTGTTGTCCTTGAGACTATCAGGGTGGCCCTCGGCTCTCAGCCCTACACTCT[C>T]CTCCGGCTGCAGGGCCCAGACACGGGGCAGTTAGAACAGGGCTCAGCCTCCTCCCCTCAG-3'
Protein context (NP_112178.2, residues 404-424): HHTDPRSQPE[Glu414Lys]SVGLRAEGHP